The following is an entry in ClinVar:

NM_005529.7(HSPG2):c.4570G>A (p.Ala1524Thr)

Gene: HSPG2 (heparan sulfate proteoglycan 2; minus strand). Cytogenetic location: 1p36.12.
Variant type: single nucleotide variant.
Coding change: c.4570G>A on transcript NM_005529.7 (MANE Select); coding-DNA position 4570, G replaced by A.
Protein change: p.Ala1524Thr; replaces alanine 1524 with threonine.
Molecular consequence: missense variant.
Genome position (GRCh38, 1-based): chr1:21,864,899, C>T on the plus strand (G>A on the coding strand, the complement: HSPG2 is on the minus strand). VCF-style: chr1-21864899-C-T. GRCh37 (hg19) VCF-style: chr1-22191392-C-T.
Other names: c.4570G>A (NM_005529.6); c.4573G>A, p.Ala1525Thr (NM_001291860.2); short protein forms A1524T, A1525T.
Identifiers: ClinVar variation 1475558 (VCV001475558.12), dbSNP rs757196466, ClinGen allele CA672228.

ClinVar aggregate classification (germline): Uncertain significance. Review status: criteria provided, multiple submitters, no conflicts (2 of 4 stars). 5 submissions from 5 submitters: Uncertain significance (4). 1 of the submissions does not count toward it. Last evaluated 2025-05-07.

Conditions:
HSPG2-related disorder. Also called: HSPG2-related disorders; HSPG2-related condition.
Inborn genetic diseases. Identifiers: MedGen C0950123, MeSH D030342.

Allele frequency attached by ClinVar (database versions not stated): ExAC 0.00001; gnomAD 0.00001; gnomAD exomes 0.00001; TOPMed 0.00002.
gnomAD v4.1: 45 of 1,610,324 alleles (0.0028%); highest among the groups gnomAD compares: Middle Eastern, 0.017%; no homozygotes.

Submissions (5):

Ambry Genetics
Classification: Uncertain significance for Inborn genetic diseases. Last evaluated: 2025-05-07. Review status: criteria provided, single submitter. Criteria: Ambry Variant Classification Scheme 2023. Collection method: clinical testing. Allele origin: germline.

Labcorp Genetics (formerly Invitae), Labcorp
Classification: Uncertain significance. Last evaluated: 2022-06-20. Review status: criteria provided, single submitter. Criteria: Invitae Variant Classification Sherloc (09022015). Collection method: clinical testing. Allele origin: germline.
Comment: In summary, the available evidence is currently insufficient to determine the role of this variant in disease. Therefore, it has been classified as a Variant of Uncertain Significance. Algorithms developed to predict the effect of missense changes on protein structure and function are either unavailable or do not agree on the potential impact of this missense change (SIFT: "Deleterious"; PolyPhen-2: "Probably Damaging"; Align-GVGD: "Class C0"). This variant has not been reported in the literature in individuals affected with HSPG2-related conditions. The frequency data for this variant in the population databases is considered unreliable, as metrics indicate poor data quality at this position in the gnomAD database. This sequence change replaces alanine, which is neutral and non-polar, with threonine, which is neutral and polar, at codon 1524 of the HSPG2 protein (p.Ala1524Thr).

GeneDx
Classification: Uncertain significance. Last evaluated: 2022-02-03. Review status: criteria provided, single submitter. Criteria: GeneDx Variant Classification Process June 2021. Collection method: clinical testing. Allele origin: germline. Affected: yes.
Comment: Not observed at significant frequency in large population cohorts (gnomAD); In silico analysis supports that this missense variant has a deleterious effect on protein structure/function; Has not been previously published as pathogenic or benign to our knowledge

Revvity Omics, Revvity
Classification: Uncertain significance. Last evaluated: 2020-03-12. Review status: criteria provided, single submitter. Criteria: ACMG Guidelines, 2015. Collection method: clinical testing. Allele origin: germline.

PreventionGenetics, part of Exact Sciences
Classification: Uncertain significance for HSPG2-related condition. Last evaluated: 2024-08-21. Review status: no assertion criteria provided. Collection method: clinical testing. Allele origin: germline. Not counted in ClinVar's aggregate classification.
Comment: The HSPG2 c.4570G>A variant is predicted to result in the amino acid substitution p.Ala1524Thr. To our knowledge, this variant has not been reported in the literature. This variant is reported in 0.0033% of alleles in individuals of South Asian descent in gnomAD. At this time, the clinical significance of this variant is uncertain due to the absence of conclusive functional and genetic evidence.